The following is an entry in ClinVar:

ClinVar aggregate classification (germline): Conflicting classifications of pathogenicity. Review status: criteria provided, conflicting classifications (1 of 4 stars). 11 submissions from 7 submitters: Pathogenic (1); Uncertain significance (10). Last evaluated 2026-09-11.

Conditions:
Cardiovascular phenotype. Identifiers: MedGen CN230736.
Myosin storage myopathy (CMYO7A). Also called: MYH7-related late-onset scapuloperoneal muscular dystrophy; Congenital myopathy 7A, myosin storage, autosomal dominant; MYOPATHY, HYALINE BODY, AUTOSOMAL DOMINANT; MYOPATHY WITH LYSIS OF TYPE I MYOFIBRILS; SCAPULOPERONEAL MUSCULAR DYSTROPHY; SCAPULOPERONEAL SYNDROME, MYOPATHIC TYPE. Identifiers: Orphanet 437572, Orphanet 636965, MedGen C1842160, MONDO:0008409, OMIM 608358.
Cardiomyopathy (CMYO). Also called: Cardiomyopathies. Identifiers: Orphanet 167848, MedGen C0878544, MONDO:0004994, HP:0001638. Inheritance: Various modes of inheritance.
Myopathy, myosin storage, autosomal recessive (CMYO7B). Also called: CONGENITAL MYOPATHY 7B, MYOSIN STORAGE, AUTOSOMAL RECESSIVE. Identifiers: Orphanet 636970, MedGen C1850709, MONDO:0009708, OMIM 255160.
Hypertrophic cardiomyopathy 1 (CMH1). Also called: Familial hypertrophic cardiomyopathy 1; MYH7-Related Familial Hypertrophic Cardiomyopathy. Identifiers: MedGen C3495498, MONDO:0008647, OMIM 192600.
MYH7-related skeletal myopathy. Also called: Myopathy, distal, 1; Laing distal myopathy; Laing early-onset distal myopathy; MYOPATHY, DISTAL, EARLY-ONSET, AUTOSOMAL DOMINANT; MYOPATHY, LATE DISTAL HEREDITARY. Identifiers: Orphanet 59135, MedGen C4552004, MONDO:0008050, OMIM 160500.
Dilated cardiomyopathy 1S (CMD1S). Identifiers: Orphanet 154, Orphanet 54260, MedGen C1834481, MONDO:0013262, OMIM 613426.
Hypertrophic cardiomyopathy. Also called: HYPERTROPHIC MYOCARDIOPATHY. Identifiers: Orphanet 217569, MedGen C0007194, MeSH D002312, MONDO:0005045, HP:0001639.

Allele frequency attached by ClinVar (database versions not stated): gnomAD 0.00001; gnomAD exomes 0.00002; ExAC 0.00002; TOPMed 0.00002.
gnomAD v4.1: 15 of 1,614,094 alleles (0.00093%); highest among the groups gnomAD compares: South Asian, 0.0022%; no homozygotes.

Submissions (11):

Ambry Genetics
Classification: Uncertain significance for Cardiovascular phenotype. Last evaluated: 2026-09-11. Review status: criteria provided, single submitter. Criteria: Ambry Variant Classification Scheme 2023. Collection method: clinical testing. Allele origin: germline.
Comment: The p.T1760M variant (also known as c.5279C>T), located in coding exon 34 of the MYH7 gene, results from a C to T substitution at nucleotide position 5279. The threonine at codon 1760 is replaced by methionine, an amino acid with similar properties. This variant was reported in hypertrophic cardiomyopathy (HCM) cohorts (Fokstuen S et al. Hum Mutat, 2008 Jun;29:879-85; Melacini P et al. Int J Cardiol, 2008 Aug;128:364-73; De Bortoli M et al. Circ Genom Precis Med, 2020 Apr;13:e002824; Harper AR et al. Nat Genet, 2021 Feb;53:135-142). This amino acid position is highly conserved in available vertebrate species. In addition, this alteration is predicted to be deleterious by in silico analysis. Based on the available evidence, the clinical significance of this variant remains unclear.

GeneDx
Classification: Uncertain significance. Last evaluated: 2025-07-15. Review status: criteria provided, single submitter. Criteria: GeneDx Variant Classification Process June 2021. Collection method: clinical testing. Allele origin: germline. Affected: yes.
Comment: Not observed at significant frequency in large population cohorts (gnomAD); In silico analysis supports that this missense variant has a deleterious effect on protein structure/function; This variant is associated with the following publications: (PMID: 20513729, 31475041, 34426522, 32004434, 18409188, 36264615, 33495597)

Color Diagnostics, LLC DBA Color Health
Classification: Uncertain significance for Cardiomyopathy. Last evaluated: 2025-07-01. Review status: criteria provided, single submitter. Criteria: ACMG Guidelines, 2015. Collection method: clinical testing. Allele origin: germline.
Comment: This missense variant replaces threonine with methionine at codon 1760 of the MYH7 protein. Computational prediction suggests that this variant may have a deleterious impact on protein structure and function. To our knowledge, functional studies have not been reported for this variant. This variant has been reported in individuals affected with hypertrophic cardiomyopathy (PMID: 18409188, 20513729, 32004434). In one family, some of these individuals also carried a variant in the MYL2 gene that segregated with disease (PMID: 32004434). This variant has been identified in 5/282882 chromosomes in the general population by the Genome Aggregation Database (gnomAD). The available evidence is insufficient to determine the role of this variant in disease conclusively. Therefore, this variant is classified as a Variant of Uncertain Significance.

Labcorp Genetics (formerly Invitae), Labcorp
Classification: Pathogenic for Hypertrophic cardiomyopathy. Last evaluated: 2025-06-02. Review status: criteria provided, single submitter. Criteria: Invitae Variant Classification Sherloc (09022015). Collection method: clinical testing. Allele origin: germline.
Comment: This sequence change replaces threonine, which is neutral and polar, with methionine, which is neutral and non-polar, at codon 1760 of the MYH7 protein (p.Thr1760Met). This variant is present in population databases (rs727505294, gnomAD 0.003%). This missense change has been observed in individuals with hypertrophic cardiomyopathy (PMID: 18409188, 20513729). ClinVar contains an entry for this variant (Variation ID: 180024). Invitae Evidence Modeling of protein sequence and biophysical properties (such as structural, functional, and spatial information, amino acid conservation, physicochemical variation, residue mobility, and thermodynamic stability) indicates that this missense variant is expected to disrupt MYH7 protein function with a positive predictive value of 95%. This variant disrupts the p.Thr1760 amino acid residue in MYH7. Other variant(s) that disrupt this residue have been determined to be pathogenic (PMID: 18409188, 20513729; internal data). This suggests that this residue is clinically significant, and that variants that disrupt this residue are likely to be disease-causing. For these reasons, this variant has been classified as Pathogenic.

All of Us Research Program, National Institutes of Health
Classification: Uncertain significance for Cardiomyopathy. Last evaluated: 2023-11-20. Review status: criteria provided, single submitter. Criteria: ACMG Guidelines, 2015. Collection method: clinical testing. Allele origin: germline. Inheritance: Autosomal dominant inheritance. Observed: 3 variant alleles, 3 heterozygotes.
Comment: This missense variant replaces threonine with methionine at codon 1760 of the MYH7 protein. Computational prediction suggests that this variant may have deleterious impact on protein structure and function (internally defined REVEL score threshold >= 0.7, PMID: 27666373). To our knowledge, functional studies have not been reported for this variant. This variant has been reported in individuals affected with hypertrophic cardiomyopathy (PMID: 18409188, 20513729, 32004434). In one family, some of these individuals also carried a variant in the MYL2 gene that segregated with disease (PMID: 32004434). This variant has been identified in 5/282882 chromosomes in the general population by the Genome Aggregation Database (gnomAD). The available evidence is insufficient to determine the role of this variant in disease conclusively. Therefore, this variant is classified as a Variant of Uncertain Significance.

This study involves interpretation of variants in research participants for the purpose of population health screening. Participant phenotype was not available at the time of variant classification. Additional details can be found in publication PMID: 35346344, PMCID: PMC8962531

Phosphorus, Inc.
Classification: Uncertain significance for Dilated cardiomyopathy 1S. Last evaluated: 2017-08-01. Review status: criteria provided, single submitter. Criteria: ACMG Guidelines, 2015. Collection method: clinical testing. Allele origin: germline. Observed: 2 variant alleles.

Phosphorus, Inc.
Classification: Uncertain significance for Hypertrophic cardiomyopathy 1. Last evaluated: 2017-08-01. Review status: criteria provided, single submitter. Criteria: ACMG Guidelines, 2015. Collection method: clinical testing. Allele origin: germline. Observed: 1 variant allele.

Phosphorus, Inc.
Classification: Uncertain significance for MYH7-related skeletal myopathy. Last evaluated: 2017-08-01. Review status: criteria provided, single submitter. Criteria: ACMG Guidelines, 2015. Collection method: clinical testing. Allele origin: germline. Observed: 1 variant allele.

Phosphorus, Inc.
Classification: Uncertain significance for Myosin storage myopathy. Last evaluated: 2017-08-01. Review status: criteria provided, single submitter. Criteria: ACMG Guidelines, 2015. Collection method: clinical testing. Allele origin: germline. Observed: 1 variant allele.

Phosphorus, Inc.
Classification: Uncertain significance for Myopathy, myosin storage, autosomal recessive. Last evaluated: 2017-08-01. Review status: criteria provided, single submitter. Criteria: ACMG Guidelines, 2015. Collection method: clinical testing. Allele origin: germline. Observed: 1 variant allele.

Laboratory for Molecular Medicine, Mass General Brigham Personalized Medicine
Classification: Uncertain significance. Last evaluated: 2014-10-06. Review status: criteria provided, single submitter. Criteria: LMM Criteria. Collection method: clinical testing. Allele origin: germline. Observed: 1 variant allele.
Comment: The Thr1760Met variant in MYH7 has been reported in 2 Caucasian individuals with HCM and segregated with disease in 1 affected relative; however, 6 affected mem bers from the same family did not carry this variant (Fokstuen 2008, Calore 2011 ). It was absent from large population studies. Computational prediction tools a nd conservation analysis do not provide strong support for or against an impact to the protein. In summary, the clinical significance of the Thr1760Met variant is uncertain due to conflicting evidence.

Literature cited by the submitters: PubMed 17643520 (cited by Ambry Genetics); PubMed 18409188 (cited by 6 submitters); PubMed 32004434 (cited by 3 submitters); PubMed 33495597 (cited by Ambry Genetics); PubMed 20513729 (cited by 3 submitters); PubMed 27247418 (cited by Phosphorus, Inc.).

NM_000257.4(MYH7):c.5279C>T (p.Thr1760Met)

Genes: MYH7 (myosin heavy chain 7; minus strand), LOC126861897 (BRD4-independent group 4 enhancer GRCh37_chr14:23884455-23885654; plus strand). Cytogenetic location: 14q11.2.
Variant type: single nucleotide variant.
Coding change: c.5279C>T on transcript NM_000257.4 (MANE Select); coding-DNA position 5279, C replaced by T.
Protein change: p.Thr1760Met; replaces threonine 1760 with methionine.
Molecular consequence: missense variant.
Genome position (GRCh38, 1-based): chr14:23,415,385, G>A on the plus strand (C>T on the coding strand, the complement: MYH7 is on the minus strand). VCF-style: chr14-23415385-G-A. GRCh37 (hg19) VCF-style: chr14-23884594-G-A.
Other names: short protein forms T1760M.
Identifiers: ClinVar variation 180024 (VCV000180024.19), dbSNP rs727505294, ClinGen allele CA015835.